The following is an entry in ClinVar:

NM_001164508.2(NEB):c.21963del (p.Lys7321fs)

Genes: NEB (nebulin; minus strand), RIF1 (replication timing regulatory factor 1; plus strand). Cytogenetic location: 2q23.3.
Variant type: Deletion.
Coding change: c.21963del on transcript NM_001164508.2 (MANE Select); coding-DNA position 21963, one base deleted (A; older notation c.21963delA).
Protein change: p.Lys7321fs; shifts the reading frame from lysine 7321.
Molecular consequence: frameshift variant.
Genome position (GRCh38, 1-based): chr2:151,526,245, T deleted on the plus strand (A on the coding strand, the reverse complement: NEB is on the minus strand); the first of 3 consecutive T bases (chr2:151,526,245-151,526,247); deleting any one gives the same sequence. VCF-style (leftmost placement, unchanged base first): chr2-151526244-GT-G. GRCh37 (hg19) VCF-style: chr2-152382758-GT-G.
Other names: c.21963del, p.Lys7321fs (NM_001164507.2); c.22068del, p.Lys7356fs (NM_001271208.2); c.16860del, p.Lys5620fs (NM_004543.5); short protein forms K5620fs, K7321fs, K7356fs.
Identifiers: ClinVar variation 5015704 (VCV005015704.1).

ClinVar aggregate classification (germline): Pathogenic (1 of 4 stars; one submission).

Conditions:
Nemaline myopathy 2 (NEM2). Also called: Nemaline myopathy 2, autosomal recessive. Identifiers: MedGen C1850569, MONDO:0009725, OMIM 256030.

Submission:

Myriad Genetics, Inc.
Classification: Pathogenic for Nemaline myopathy 2. Last evaluated: 2026-03-21. Review status: criteria provided, single submitter. Criteria: Myriad Autosomal Dominant, Autosomal Recessive and X-Linked Classification Criteria (2023). Collection method: clinical testing. Allele origin: unknown.
Comment: NM_001271208.1(NEB):c.22068delA(K7356Nfs*61) is expected to be pathogenic in the context of NEB-related nemaline myopathy. This variant is predicted to lead to an abnormal or absent protein product due to the creation of a premature termination codon in NEB, a gene where loss-of-function variants are known to be pathogenic. Please note: this variant was assessed in the context of healthy population screening.